The following is an entry in ClinVar:

ClinVar aggregate classification (germline): Likely benign (0 of 4 stars; one submission).

Conditions:
INTS1-related disorder. Also called: INTS1-related condition.

Allele frequency attached by ClinVar (database versions not stated): gnomAD exomes 0.00005; ExAC 0.00010; ESP Exome Variant Server 0.00032; gnomAD 0.00041; TOPMed 0.00042; 1000 Genomes Project 0.00060; 1000 Genomes Project 30x 0.00062.

Submission:

PreventionGenetics, part of Exact Sciences
Classification: Likely benign for INTS1-related condition. Last evaluated: 2019-04-11. Review status: no assertion criteria provided. Collection method: clinical testing. Allele origin: germline.
Comment: This variant is classified as likely benign based on ACMG/AMP sequence variant interpretation guidelines (Richards et al. 2015 PMID: 25741868, with internal and published modifications).

NM_001080453.3(INTS1):c.963C>T (p.Leu321=)

Gene: INTS1 (integrator complex subunit 1; minus strand). Cytogenetic location: 7p22.3.
Variant type: single nucleotide variant.
Coding change: c.963C>T on transcript NM_001080453.3 (MANE Select); coding-DNA position 963, C replaced by T.
Protein change: p.Leu321=; no amino-acid change (leucine 321 retained).
Molecular consequence: synonymous variant.
Genome position (GRCh38, 1-based): chr7:1,499,149, G>A on the plus strand (C>T on the coding strand, the complement: INTS1 is on the minus strand). VCF-style: chr7-1499149-G-A. GRCh37 (hg19) VCF-style: chr7-1538785-G-A.
Identifiers: ClinVar variation 3045461 (VCV003045461.2), dbSNP rs375867888, ClinGen allele CA4120524.
Genomic context (GRCh38, chr7:1,499,149, plus strand): 5'-CTGGCGCCGGTTCAGCTGGTCCCGCAGCATGTCCAGGACATACTCCTCCACGCTCTCCGC[G>A]AGCTCTTCGTACCTAGGCCAGAGGAGGGAGCGAGGAGGGAGGAAGGTGGCCCCGAGGCGC-3'
Protein context (NP_001073922.2, residues 311-331): EGQLMPRYEE[Leu321=]AESVEEYVLD